The following is an entry in ClinVar:

ClinVar aggregate classification (germline): Conflicting classifications of pathogenicity. Review status: criteria provided, conflicting classifications (1 of 4 stars). 8 submissions from 8 submitters: Uncertain significance (1); Likely benign (6). 1 of the submissions does not count toward it. Last evaluated 2026-04-01.

Conditions:
ATP7A-related disorder. Also called: ATP7A-related condition.
Inborn genetic diseases. Identifiers: MedGen C0950123, MeSH D030342.
Menkes kinky-hair syndrome (MNK). Also called: Copper transport disease; Menkes Disease; Classic Menkes Disease. Identifiers: Orphanet 565, MedGen C0022716, MONDO:0010651, OMIM 309400.
X-linked distal spinal muscular atrophy type 3. Also called: NEURONOPATHY, DISTAL HEREDITARY MOTOR, X-LINKED; NEUROPATHY, DISTAL HEREDITARY MOTOR, X-LINKED; ATP7A-Related Distal Motor Neuropathy; SPINAL MUSCULAR ATROPHY, DISTAL, X-LINKED RECESSIVE. Identifiers: Orphanet 139557, MedGen C1845359, MONDO:0010338, OMIM 300489.
Cutis laxa, X-linked (OHS). Also called: Occipital horn syndrome; EDS IX. Identifiers: Orphanet 198, MedGen C0268353, MONDO:0010572, OMIM 304150.

Allele frequency attached by ClinVar (database versions not stated): gnomAD 0.00004; TOPMed 0.00008; ESP Exome Variant Server 0.00009; gnomAD exomes 0.00010 and 0.00017; ExAC 0.00018.
gnomAD v4.1: 181 of 1,209,683 alleles (0.015%); highest among the groups gnomAD compares: Middle Eastern, 0.023%; no homozygotes.

Submissions (8):

CeGaT Center for Human Genetics Tuebingen
Classification: Likely benign. Last evaluated: 2026-04-01. Review status: criteria provided, single submitter. Criteria: CeGaT Center For Human Genetics Tuebingen Variant Classification Criteria Version 2. Collection method: clinical testing. Allele origin: germline. Affected: yes. Observed: 1 variant allele.
Comment: ATP7A: BS2

Labcorp Genetics (formerly Invitae), Labcorp
Classification: Likely benign for X-linked distal spinal muscular atrophy type 3; Cutis laxa, X-linked; Menkes kinky-hair syndrome. Last evaluated: 2025-12-06. Review status: criteria provided, single submitter. Criteria: Invitae Variant Classification Sherloc (09022015). Collection method: clinical testing. Allele origin: germline.

Mayo Clinic Laboratories, Mayo Clinic
Classification: Likely benign. Last evaluated: 2025-11-27. Review status: criteria provided, single submitter. Criteria: ACMG Guidelines, 2015. Collection method: clinical testing. Allele origin: germline. Observed: 1 variant allele.
Comment: BS2, PP3_moderate

Blueprint Genetics
Classification: Likely benign. Last evaluated: 2024-10-03. Review status: criteria provided, single submitter. Criteria: ACMG Guidelines, 2015. Collection method: clinical testing. Allele origin: germline.

Women's Health and Genetics/Laboratory Corporation of America, LabCorp
Classification: Likely benign. Last evaluated: 2022-05-11. Review status: criteria provided, single submitter. Criteria: LabCorp Variant Classification Summary - May 2015. Collection method: clinical testing. Allele origin: germline.
Comment: Variant summary: ATP7A c.1156A>G (p.Met386Val) results in a conservative amino acid change located in the 4th heavy metal-associated (copper ion-binding) domain (IPR006122) of the encoded protein sequence. Four of five in-silico tools predict a damaging effect of the variant on protein function. The variant allele was found at a frequency of 0.0001 in 205199 control chromosomes, predominantly at a frequency of 0.00021 within the Non-Finnish European subpopulation in the gnomAD database, including 7 hemizygotes. Though this frequency is not higher than the estimated maximum expected for a pathogenic variant in ATP7A causing Menkes Kinky-Hair Syndrome (0.0035), the presence of these multiple hemizygous occurrences suggests that the variant is likely benign. To our knowledge, the variant, c.1156A>G, has not been reported in the literature in individuals affected with Menkes Kinky-Hair Syndrome and no experimental evidence demonstrating an impact on protein function has been published. Two clinical diagnostic laboratories have submitted clinical-significance assessments for this variant to ClinVar after 2014 without evidence for independent evaluation. One laboratory classified the variant as likely benign, while the other laboratory classified the variant as uncertain significance. Based on the evidence outlined above, the variant was classified as likely benign.

GeneDx
Classification: Uncertain significance. Last evaluated: 2019-04-08. Review status: criteria provided, single submitter. Criteria: GeneDx Variant Classification Process June 2021. Collection method: clinical testing. Allele origin: germline. Affected: yes.
Comment: In silico analysis, which includes protein predictors and evolutionary conservation, supports a deleterious effect; This variant is associated with the following publications: (PMID: 29653220)

Ambry Genetics
Classification: Likely benign for Inborn genetic diseases. Last evaluated: 2017-08-25. Review status: criteria provided, single submitter. Criteria: Ambry Variant Classification Scheme 2023. Collection method: clinical testing. Allele origin: germline.

PreventionGenetics, part of Exact Sciences
Classification: Likely benign for ATP7A-related condition. Last evaluated: 2021-02-03. Review status: no assertion criteria provided. Collection method: clinical testing. Allele origin: germline. Not counted in ClinVar's aggregate classification.
Comment: This variant is classified as likely benign based on ACMG/AMP sequence variant interpretation guidelines (Richards et al. 2015 PMID: 25741868, with internal and published modifications).

Literature cited by the submitters: PubMed 23281160 (cited by Mayo Clinic Laboratories, Mayo Clinic); PubMed 29653220 (cited by Mayo Clinic Laboratories, Mayo Clinic and Women's Health and Genetics/Laboratory Corporation of America, LabCorp).

NM_000052.7(ATP7A):c.1156A>G (p.Met386Val)

Gene: ATP7A (ATPase copper transporting alpha; plus strand). Cytogenetic location: Xq21.1.
Variant type: single nucleotide variant.
Coding change: c.1156A>G on transcript NM_000052.7 (MANE Select); coding-DNA position 1156, A replaced by G.
Protein change: p.Met386Val; replaces methionine 386 with valine.
Molecular consequence: missense variant.
Genome position (GRCh38, 1-based): chrX:77,989,778, A>G. VCF-style: chrX-77989778-A-G. GRCh37 (hg19) VCF-style: chrX-77245274-A-G.
Other names: p.Met386Val; c.1156A>G, p.Met386Val (NM_001282224.2); short protein forms M386V.
Identifiers: ClinVar variation 465104 (VCV000465104.22), dbSNP rs369419911, ClinGen allele CA10459000.